The following is an entry in ClinVar:

NM_005612.5(REST):c.1876G>C (p.Val626Leu)

Gene: REST (RE1 silencing transcription factor; plus strand). Cytogenetic location: 4q12.
Variant type: single nucleotide variant.
Coding change: c.1876G>C on transcript NM_005612.5 (MANE Select); coding-DNA position 1876, G replaced by C.
Protein change: p.Val626Leu; replaces valine 626 with leucine.
Molecular consequence: missense variant.
Genome position (GRCh38, 1-based): chr4:56,930,734, G>C. VCF-style: chr4-56930734-G-C. GRCh37 (hg19) VCF-style: chr4-57796900-G-C.
Other names: c.1876G>C, p.Val626Leu (NM_001193508.2, NM_001363453.3); short protein forms V626L.
Identifiers: ClinVar variation 1420099 (VCV001420099.8), dbSNP rs2228991, ClinGen allele CA357007611.

ClinVar aggregate classification (germline): Uncertain significance (1 of 4 stars; one submission).

gnomAD v4.1: 1 of 1,601,708 alleles (0.000062%); highest among the groups gnomAD compares: Middle Eastern, 0.017%; no homozygotes.

Submission:

Labcorp Genetics (formerly Invitae), Labcorp
Classification: Uncertain significance. Last evaluated: 2021-02-18. Review status: criteria provided, single submitter. Criteria: Invitae Variant Classification Sherloc (09022015). Collection method: clinical testing. Allele origin: germline.
Comment: This variant has not been reported in the literature in individuals with REST-related conditions. This variant is not present in population databases (ExAC no frequency). This sequence change replaces valine with leucine at codon 626 of the REST protein (p.Val626Leu). The valine residue is weakly conserved and there is a small physicochemical difference between valine and leucine. Algorithms developed to predict the effect of missense changes on protein structure and function (SIFT, PolyPhen-2, Align-GVGD) all suggest that this variant is likely to be tolerated, but these predictions have not been confirmed by published functional studies and their clinical significance is uncertain. In summary, the available evidence is currently insufficient to determine the role of this variant in disease. Therefore, it has been classified as a Variant of Uncertain Significance.